The following is an entry in ClinVar:

ClinVar aggregate classification (germline): Likely benign. Review status: criteria provided, multiple submitters, no conflicts (2 of 4 stars). 4 submissions from 4 submitters: Likely benign (4). Last evaluated 2024-09-02.

Conditions:
Cardiovascular phenotype. Identifiers: MedGen CN230736.
Arrhythmogenic right ventricular dysplasia 8 (ARVD8). Also called: Arrhythmogenic Right Ventricular Dysplasia/Cardiomyopathy 8; ARRHYTHMOGENIC RIGHT VENTRICULAR DYSPLASIA, FAMILIAL, 8; ARRHYTHMOGENIC RIGHT VENTRICULAR CARDIOMYOPATHY 8. Identifiers: MedGen C1843896, MONDO:0011831, OMIM 607450.
Arrhythmogenic cardiomyopathy with wooly hair and keratoderma. Also called: PALMOPLANTAR KERATODERMA WITH LEFT VENTRICULAR CARDIOMYOPATHY AND WOOLLY HAIR; Dilated cardiomyopathy with woolly hair and keratoderma; Arrhythmogenic cardiomyopathy with woolly hair and keratoderma; Carvajal syndrome. Identifiers: Orphanet 65282, MedGen C1854063, MONDO:0011581, OMIM 605676.
Cardiomyopathy (CMYO). Also called: Cardiomyopathies. Identifiers: Orphanet 167848, MedGen C0878544, MONDO:0004994, HP:0001638. Inheritance: Various modes of inheritance.

Allele frequency attached by ClinVar (database versions not stated): gnomAD exomes below 0.00001; gnomAD 0.00001.
gnomAD v4.1: 6 of 1,613,926 alleles (0.00037%); highest among the groups gnomAD compares: Non-Finnish European, 0.00051%; no homozygotes.

Submissions (4):

Ambry Genetics
Classification: Likely benign for Cardiovascular phenotype. Last evaluated: 2024-09-02. Review status: criteria provided, single submitter. Criteria: Ambry Variant Classification Scheme 2023. Collection method: clinical testing. Allele origin: germline.

All of Us Research Program, National Institutes of Health
Classification: Likely benign for Arrhythmogenic cardiomyopathy with wooly hair and keratoderma. Last evaluated: 2023-06-26. Review status: criteria provided, single submitter. Criteria: ACMG Guidelines, 2015. Collection method: clinical testing. Allele origin: germline. Inheritance: Autosomal dominant inheritance. Observed: 1 variant allele, 1 heterozygote.
Comment: This study involves interpretation of variants in research participants for the purpose of population health screening. Participant phenotype was not available at the time of variant classification. Additional details can be found in publication PMID: 35346344, PMCID: PMC8962531

Color Diagnostics, LLC DBA Color Health
Classification: Likely benign for Cardiomyopathy. Last evaluated: 2023-06-14. Review status: criteria provided, single submitter. Criteria: ACMG Guidelines, 2015. Collection method: clinical testing. Allele origin: germline.

Labcorp Genetics (formerly Invitae), Labcorp
Classification: Likely benign for Arrhythmogenic cardiomyopathy with wooly hair and keratoderma; Arrhythmogenic right ventricular dysplasia 8. Last evaluated: 2022-12-23. Review status: criteria provided, single submitter. Criteria: Invitae Variant Classification Sherloc (09022015). Collection method: clinical testing. Allele origin: germline.

NM_004415.4(DSP):c.6453G>A (p.Arg2151=)

Gene: DSP (desmoplakin; plus strand). Cytogenetic location: 6p24.3.
Variant type: single nucleotide variant.
Coding change: c.6453G>A on transcript NM_004415.4 (MANE Select); coding-DNA position 6453, G replaced by A.
Protein change: p.Arg2151=; no amino-acid change (arginine 2151 retained).
Molecular consequence: synonymous variant.
Genome position (GRCh38, 1-based): chr6:7,583,715, G>A. VCF-style: chr6-7583715-G-A. GRCh37 (hg19) VCF-style: chr6-7583948-G-A.
Other names: c.4656G>A, p.Arg1552= (NM_001008844.3); c.5124G>A, p.Arg1708= (NM_001319034.2).
Identifiers: ClinVar variation 2775344 (VCV002775344.7), dbSNP rs1472492843, ClinGen allele CA448715744.